The following is an entry in ClinVar:

ClinVar aggregate classification (germline): Benign/Likely benign. Review status: criteria provided, multiple submitters, no conflicts (2 of 4 stars). 4 submissions from 4 submitters: Benign (1); Likely benign (3). Last evaluated 2024-11-24.

Conditions:
Hereditary cancer-predisposing syndrome. Also called: Tumor predisposition; Hereditary Cancer Syndrome; Neoplastic Syndromes, Hereditary; Hereditary neoplastic syndrome. Identifiers: Orphanet 140162, MedGen C0027672, MeSH D009386, MONDO:0015356.
Fanconi anemia complementation group J. Also called: BRIP1-Related Fanconi Anemia. Identifiers: Orphanet 84, MedGen C1836860, MONDO:0012187, OMIM 609054.
Familial cancer of breast. Also called: Hereditary breast cancer; BREAST CANCER, FAMILIAL; hereditary breast carcinoma. Identifiers: Orphanet 227535, MedGen C0346153, MONDO:0016419, OMIM 114480. Disease mechanism: loss of function.

Allele frequency attached by ClinVar (database versions not stated): TOPMed 0.00001.

Submissions (4):

Labcorp Genetics (formerly Invitae), Labcorp
Classification: Likely benign for Familial cancer of breast; Fanconi anemia complementation group J. Last evaluated: 2024-11-24. Review status: criteria provided, single submitter. Criteria: Invitae Variant Classification Sherloc (09022015). Collection method: clinical testing. Allele origin: germline.

Myriad Genetics, Inc.
Classification: Benign for Familial cancer of breast. Last evaluated: 2024-08-22. Review status: criteria provided, single submitter. Criteria: Myriad Autosomal Dominant, Autosomal Recessive and X-Linked Classification Criteria (2023). Collection method: clinical testing. Allele origin: unknown.
Comment: This variant is considered benign. This variant is a silent/synonymous amino acid change and it is not expected to impact splicing.

Women's Health and Genetics/Laboratory Corporation of America, LabCorp
Classification: Likely benign. Last evaluated: 2023-08-27. Review status: criteria provided, single submitter. Criteria: LabCorp Variant Classification Summary - May 2015. Collection method: clinical testing. Allele origin: germline.

Ambry Genetics
Classification: Likely benign for Hereditary cancer-predisposing syndrome. Last evaluated: 2021-05-17. Review status: criteria provided, single submitter. Criteria: Ambry Variant Classification Scheme 2023. Collection method: clinical testing. Allele origin: germline.

NM_032043.3(BRIP1):c.768T>C (p.Ile256=)

Gene: BRIP1 (BRCA1 interacting DNA helicase 1; minus strand). Cytogenetic location: 17q23.2.
Variant type: single nucleotide variant.
Coding change: c.768T>C on transcript NM_032043.3 (MANE Select); coding-DNA position 768, T replaced by C.
Protein change: p.Ile256=; no amino-acid change (isoleucine 256 retained).
Molecular consequence: synonymous variant.
Genome position (GRCh38, 1-based): chr17:61,808,617, A>G on the plus strand (T>C on the coding strand, the complement: BRIP1 is on the minus strand). VCF-style: chr17-61808617-A-G. GRCh37 (hg19) VCF-style: chr17-59885978-A-G.
Identifiers: ClinVar variation 759804 (VCV000759804.14), dbSNP rs1452578169, ClinGen allele CA501335582.